The following is an entry in ClinVar:

ClinVar aggregate classification (germline): Conflicting classifications of pathogenicity. Review status: criteria provided, conflicting classifications (1 of 4 stars). 7 submissions from 7 submitters: Uncertain significance (1); Benign (1); Likely benign (3). 2 of the submissions do not count toward it. Last evaluated 2026-01-19.

Conditions:
Cardiovascular phenotype. Identifiers: MedGen CN230736.
CYP27A1-related disorder. Also called: CYP27A1-related condition.
Cholestanol storage disease (CTX). Also called: Cerebrotendinous Xanthomatosis; CEREBRAL CHOLESTERINOSIS; CTX: Cerebrotendinous xanthomatosis. Identifiers: Orphanet 909, MedGen C0238052, MONDO:0008948, OMIM 213700.

Allele frequency attached by ClinVar (database versions not stated): gnomAD exomes 0.00010 and 0.00026; ExAC 0.00039; 1000 Genomes Project 30x 0.00047; ESP Exome Variant Server 0.00115; 1000 Genomes Project 0.00060; gnomAD 0.00097 and 0.00105; TOPMed 0.00107.
gnomAD v4.1: 298 of 1,614,092 alleles (0.018%); highest among the groups gnomAD compares: African/African-American, 0.34%; 3 homozygotes.

Submissions (7):

Labcorp Genetics (formerly Invitae), Labcorp
Classification: Likely benign for Cholestanol storage disease. Last evaluated: 2026-01-19. Review status: criteria provided, single submitter. Criteria: Invitae Variant Classification Sherloc (09022015). Collection method: clinical testing. Allele origin: germline.

Ambry Genetics
Classification: Benign for Cardiovascular phenotype. Last evaluated: 2025-08-21. Review status: criteria provided, single submitter. Criteria: Ambry Variant Classification Scheme 2023. Collection method: clinical testing. Allele origin: germline.

Blueprint Genetics
Classification: Likely benign. Last evaluated: 2024-09-18. Review status: criteria provided, single submitter. Criteria: ACMG Guidelines, 2015. Collection method: clinical testing. Allele origin: germline.

GeneDx
Classification: Likely benign. Last evaluated: 2021-05-12. Review status: criteria provided, single submitter. Criteria: GeneDx Variant Classification Process June 2021. Collection method: clinical testing. Allele origin: germline. Affected: yes.

Eurofins Ntd Llc (ga)
Classification: Uncertain significance. Last evaluated: 2018-07-05. Review status: criteria provided, single submitter. Criteria: EGL ClinVar v180209 classification definitions. Collection method: clinical testing. Allele origin: germline. Observed: 8 variant alleles, 8 heterozygotes.

Natera, Inc.
Classification: Uncertain significance for Cerebrotendinous xanthomatosis. Last evaluated: 2019-11-11. Review status: no assertion criteria provided. Collection method: clinical testing. Allele origin: germline. Not counted in ClinVar's aggregate classification.

PreventionGenetics, part of Exact Sciences
Classification: Likely benign for CYP27A1-related condition. Last evaluated: 2019-08-15. Review status: no assertion criteria provided. Collection method: clinical testing. Allele origin: germline. Not counted in ClinVar's aggregate classification.
Comment: This variant is classified as likely benign based on ACMG/AMP sequence variant interpretation guidelines (Richards et al. 2015 PMID: 25741868, with internal and published modifications).

NM_000784.4(CYP27A1):c.646+4C>T

Gene: CYP27A1 (cytochrome P450 family 27 subfamily A member 1; plus strand). Cytogenetic location: 2q35.
Variant type: single nucleotide variant.
Coding change: c.646+4C>T on transcript NM_000784.4 (MANE Select); 4 bases into the intron after coding-DNA position 646, C replaced by T.
Molecular consequence: intron variant.
Genome position (GRCh38, 1-based): chr2:218,812,425, C>T. VCF-style: chr2-218812425-C-T. GRCh37 (hg19) VCF-style: chr2-219677148-C-T.
Identifiers: ClinVar variation 196288 (VCV000196288.21), dbSNP rs191313794, ClinGen allele CA243191.